The following is an entry in ClinVar:

NM_015999.6(ADIPOR1):c.31del (p.Gln11fs)

Gene: ADIPOR1 (adiponectin receptor 1; minus strand). Cytogenetic location: 1q32.1.
Variant type: Deletion.
Coding change: c.31del on transcript NM_015999.6 (MANE Select); coding-DNA position 31, one base deleted (C; older notation c.31delC).
Protein change: p.Gln11fs; shifts the reading frame from glutamine 11.
Molecular consequence: frameshift variant.
Genome position (GRCh38, 1-based): chr1:202,951,040, G deleted on the plus strand (C on the coding strand, the reverse complement: ADIPOR1 is on the minus strand). VCF-style (leftmost placement, unchanged base first): chr1-202951039-TG-T. GRCh37 (hg19) VCF-style: chr1-202920167-TG-T.
Other names: c.31del (NM_015999.5); c.31del, p.Gln11fs (NM_001290553.2, NM_001290557.1, NM_001290629.1); short protein forms Q11fs.
Identifiers: ClinVar variation 264709 (VCV000264709.10), dbSNP rs886039240, ClinGen allele CA10588016.

ClinVar aggregate classification (germline): Uncertain significance. Review status: criteria provided, single submitter (1 of 4 stars). 2 submissions from 2 submitters: Uncertain significance (1). 1 of the submissions does not count toward it. Last evaluated 2022-01-06.

Submissions (2):

Labcorp Genetics (formerly Invitae), Labcorp
Classification: Uncertain significance. Last evaluated: 2022-01-06. Review status: criteria provided, single submitter. Criteria: Invitae Variant Classification Sherloc (09022015). Collection method: clinical testing. Allele origin: germline.
Comment: In summary, the available evidence is currently insufficient to determine the role of this variant in disease. Therefore, it has been classified as a Variant of Uncertain Significance. ClinVar contains an entry for this variant (Variation ID: 264709). This premature translational stop signal has been observed in individual(s) with autosomal recessive syndromic retinitis pigmentosa (PMID: 26662040). This variant is not present in population databases (gnomAD no frequency). This sequence change creates a premature translational stop signal (p.Gln11Argfs*24) in the ADIPOR1 gene. It is expected to result in an absent or disrupted protein product. However, the current clinical and genetic evidence is not sufficient to establish whether loss-of-function variants in ADIPOR1 cause disease.

OMIM
Classification: Uncertain significance for VARIANT OF UNKNOWN SIGNIFICANCE. Last evaluated: 2016-10-03. Review status: no assertion criteria provided. Collection method: literature only. Allele origin: germline. Not counted in ClinVar's aggregate classification.

Literature cited by the submitters: PubMed 26662040 (cited by Labcorp Genetics (formerly Invitae), Labcorp and OMIM).